The following is an entry in ClinVar:

NM_001366145.2(TRPM3):c.2117A>C (p.Asn706Thr)

Gene: TRPM3 (transient receptor potential cation channel subfamily M member 3; minus strand). Cytogenetic location: 9q21.12.
Variant type: single nucleotide variant.
Coding change: c.2117A>C on transcript NM_001366145.2 (MANE Select); coding-DNA position 2117, A replaced by C.
Protein change: p.Asn706Thr; replaces asparagine 706 with threonine.
Molecular consequence: missense variant.
Genome position (GRCh38, 1-based): chr9:70,620,088, T>G on the plus strand (A>C on the coding strand, the complement: TRPM3 is on the minus strand). VCF-style: chr9-70620088-T-G. GRCh37 (hg19) VCF-style: chr9-73235004-T-G.
Other names: c.2081A>C, p.Asn694Thr (NM_001007471.4, NM_001366151.2); c.2087A>C, p.Asn696Thr (NM_001366141.2, NM_001366143.2, NM_001366149.2); c.2123A>C, p.Asn708Thr (NM_001366142.2); c.2117A>C, p.Asn706Thr (NM_001366146.2); c.2192A>C, p.Asn731Thr (NM_001366147.2, NM_001366152.2); c.2162A>C, p.Asn721Thr (NM_001366148.2); c.2051A>C, p.Asn684Thr (NM_001366150.2); c.1658A>C, p.Asn553Thr (NM_001366154.2, NM_024971.7); and 5 more; short protein forms N531T, N541T, N543T, N553T, N556T, N566T, N684T, N694T.
Identifiers: ClinVar variation 3372021 (VCV003372021.1).

ClinVar aggregate classification (germline): Uncertain significance (1 of 4 stars; one submission).

Submission:

GeneDx
Classification: Uncertain significance. Last evaluated: 2024-04-06. Review status: criteria provided, single submitter. Criteria: GeneDx Variant Classification Process June 2021. Collection method: clinical testing. Allele origin: germline. Affected: yes.
Comment: Not observed at significant frequency in large population cohorts (gnomAD); In silico analysis indicates that this missense variant does not alter protein structure/function; Has not been previously published as pathogenic or benign to our knowledge